The following is an entry in ClinVar:

NM_022552.5(DNMT3A):c.2340T>C (p.Ile780=)

Gene: DNMT3A (DNA methyltransferase 3 alpha; minus strand). Cytogenetic location: 2p23.3.
Variant type: single nucleotide variant.
Coding change: c.2340T>C on transcript NM_022552.5 (MANE Select); coding-DNA position 2340, T replaced by C.
Protein change: p.Ile780=; no amino-acid change (isoleucine 780 retained).
Molecular consequence: synonymous variant. On other transcripts: non-coding transcript variant (1).
Genome position (GRCh38, 1-based): chr2:25,239,198, A>G on the plus strand (T>C on the coding strand, the complement: DNMT3A is on the minus strand). VCF-style: chr2-25239198-A-G. GRCh37 (hg19) VCF-style: chr2-25462067-A-G.
Other names: c.1884T>C, p.Ile628= (NM_001320893.1); c.1671T>C, p.Ile557= (NM_001375819.1); c.1773T>C, p.Ile591= (NM_153759.3); c.2340T>C, p.Ile780= (NM_175629.2).
Identifiers: ClinVar variation 3353382 (VCV003353382.1).

ClinVar aggregate classification (germline): Likely benign (0 of 4 stars; one submission).

Conditions:
DNMT3A-related disorder. Also called: DNMT3A-related disorders; DNMT3A-related condition.

Submission:

PreventionGenetics, part of Exact Sciences
Classification: Likely benign for DNMT3A-related condition. Last evaluated: 2024-09-04. Review status: no assertion criteria provided. Collection method: clinical testing. Allele origin: germline.
Comment: This variant is classified as likely benign based on ACMG/AMP sequence variant interpretation guidelines (Richards et al. 2015 PMID: 25741868, with internal and published modifications).